The following is an entry in ClinVar:

NM_144997.7(FLCN):c.832C>T (p.Pro278Ser)

Gene: FLCN (folliculin; minus strand). Cytogenetic location: 17p11.2.
Variant type: single nucleotide variant.
Coding change: c.832C>T on transcript NM_144997.7 (MANE Select); coding-DNA position 832, C replaced by T.
Protein change: p.Pro278Ser; replaces proline 278 with serine.
Molecular consequence: missense variant.
Genome position (GRCh38, 1-based): chr17:17,221,576, G>A on the plus strand (C>T on the coding strand, the complement: FLCN is on the minus strand). VCF-style: chr17-17221576-G-A. GRCh37 (hg19) VCF-style: chr17-17124890-G-A.
Other names: c.886C>T, p.Pro296Ser (NM_001353229.2); c.832C>T, p.Pro278Ser (NM_001353230.2, NM_001353231.2, NM_144606.7); short protein forms P296S, P278S.
Identifiers: ClinVar variation 857925 (VCV000857925.7), dbSNP rs1597599209, ClinGen allele CA398533694.

ClinVar aggregate classification (germline): Uncertain significance (1 of 4 stars; one submission).

Conditions:
Birt-Hogg-Dube syndrome. Also called: Birt Hogg Dubé syndrome. Identifiers: Orphanet 122, MedGen C0346010, MONDO:0800444.

Submission:

Labcorp Genetics (formerly Invitae), Labcorp
Classification: Uncertain significance for Birt-Hogg-Dube syndrome. Last evaluated: 2021-03-26. Review status: criteria provided, single submitter. Criteria: Invitae Variant Classification Sherloc (09022015). Collection method: clinical testing. Allele origin: germline.
Comment: This sequence change replaces proline with serine at codon 278 of the FLCN protein (p.Pro278Ser). The proline residue is highly conserved and there is a moderate physicochemical difference between proline and serine. This variant is not present in population databases (ExAC no frequency). This variant has not been reported in the literature in individuals with FLCN-related conditions. Algorithms developed to predict the effect of missense changes on protein structure and function are either unavailable or do not agree on the potential impact of this missense change (SIFT: "Deleterious"; PolyPhen-2: "Benign"; Align-GVGD: "Class C0"). In summary, the available evidence is currently insufficient to determine the role of this variant in disease. Therefore, it has been classified as a Variant of Uncertain Significance.